The following is an entry in ClinVar:

NM_001360016.2(G6PD):c.551C>T (p.Ser184Phe)

Gene: G6PD (glucose-6-phosphate dehydrogenase; minus strand). Cytogenetic location: Xq28.
Variant type: single nucleotide variant.
Coding change: c.551C>T on transcript NM_001360016.2 (MANE Select); coding-DNA position 551, C replaced by T.
Protein change: p.Ser184Phe; replaces serine 184 with phenylalanine.
Molecular consequence: missense variant.
Genome position (GRCh38, 1-based): chrX:154,534,431, G>A on the plus strand (C>T on the coding strand, the complement: G6PD is on the minus strand). VCF-style: chrX-154534431-G-A. GRCh37 (hg19) VCF-style: chrX-153762646-G-A.
Other names: G6PD Dindori; c.551C>T (NM_001042351.1); c.641C>T, p.Ser214Phe (NM_000402.4); c.551C>T, p.Ser184Phe (NM_001042351.3); short protein forms S184F, S214F.
Identifiers: ClinVar variation 1330149 (VCV001330149.5), dbSNP rs782315572, ClinGen allele CA10566219.

ClinVar aggregate classification (germline): Pathogenic. Review status: criteria provided, single submitter (1 of 4 stars). 2 submissions from 2 submitters: Pathogenic (1). 1 of the submissions does not count toward it. Last evaluated 2024-09-01.

Conditions:
Anemia, nonspherocytic hemolytic, due to G6PD deficiency (CNSHA1). Also called: Hemolytic anemia due to G6PD deficiency; Class I glucose-6-phosphate dehydrogenase deficiency; Favism, susceptibility to; ANEMIA, CONGENITAL, NONSPHEROCYTIC HEMOLYTIC, 1. Identifiers: Orphanet 466026, MedGen C2720289, MONDO:0010480, OMIM 300908.

Allele frequency attached by ClinVar (database versions not stated): gnomAD exomes below 0.00001 and 0.00001; ExAC 0.00001.

Submissions (2):

Dunham Lab, University of Washington
Classification: Pathogenic for Anemia, nonspherocytic hemolytic, due to G6PD deficiency. Last evaluated: 2024-09-01. Review status: criteria provided, single submitter. Criteria: ACMG Guidelines, 2015. Collection method: curation. Allele origin: maternal. Affected: yes.
Comment: Variant reported in three hemizygous brothers with G6PD deficiency (PP4), allele inherited from heterozygous mother (PP1). Also reported in unrelated individuals (PS4_M). Decreased activity reported in red blood cells of hemizygotes (PS3). Below expected carrier frequency in gnomAD (PM2). Post_P 0.994 (odds of pathogenicity 1516.9, Prior_P 0.1).

Lifecell International Pvt. Ltd
Classification: Likely pathogenic for Anemia, nonspherocytic hemolytic, due to G6PD deficiency. Review status: no assertion criteria provided. Collection method: clinical testing. Allele origin: germline. Inheritance: X-linked dominant inheritance. Affected: yes. Observed: 1 hemizygote. Not counted in ClinVar's aggregate classification.

Literature cited by the submitters: PubMed 36949502 (cited by Dunham Lab, University of Washington); DOI 10.1016/j.mgene.2017.03.001 (cited by Dunham Lab, University of Washington).